The following is an entry in ClinVar:

ClinVar aggregate classification (germline): Uncertain significance (1 of 4 stars; one submission).

Conditions:
Cardiovascular phenotype. Identifiers: MedGen CN230736.

Submission:

Ambry Genetics
Classification: Uncertain significance for Cardiovascular phenotype. Last evaluated: 2025-04-16. Review status: criteria provided, single submitter. Criteria: Ambry Variant Classification Scheme 2023. Collection method: clinical testing. Allele origin: germline.
Comment: The p.K362E variant (also known as c.1084A>G), located in coding exon 7 of the CBL gene, results from an A to G substitution at nucleotide position 1084. The lysine at codon 362 is replaced by glutamic acid, an amino acid with similar properties. This amino acid position is conserved. In addition, this alteration is predicted to be deleterious by in silico analysis. Based on the available evidence, the clinical significance of this variant remains unclear.

NM_005188.4(CBL):c.1084A>G (p.Lys362Glu)

Gene: CBL (Cbl proto-oncogene; plus strand). Cytogenetic location: 11q23.3.
Variant type: single nucleotide variant.
Coding change: c.1084A>G on transcript NM_005188.4 (MANE Select); coding-DNA position 1084, A replaced by G.
Protein change: p.Lys362Glu; replaces lysine 362 with glutamic acid.
Molecular consequence: missense variant.
Genome position (GRCh38, 1-based): chr11:119,277,833, A>G. VCF-style: chr11-119277833-A-G. GRCh37 (hg19) VCF-style: chr11-119148543-A-G.
Other names: short protein forms K362E.
Identifiers: ClinVar variation 3996022 (VCV003996022.1).